The following is an entry in ClinVar:

NM_018723.4(RBFOX1):c.1089G>C (p.Leu363Phe)

Gene: RBFOX1 (RNA binding fox-1 homolog 1; plus strand). Cytogenetic location: 16p13.3.
Variant type: single nucleotide variant.
Coding change: c.1089G>C on transcript NM_018723.4 (MANE Select); coding-DNA position 1089, G replaced by C.
Protein change: p.Leu363Phe; replaces leucine 363 with phenylalanine.
Molecular consequence: missense variant. On other transcripts: 3 prime UTR variant (2), intron variant (1).
Genome position (GRCh38, 1-based): chr16:7,710,640, G>C. VCF-style: chr16-7710640-G-C. GRCh37 (hg19) VCF-style: chr16-7760642-G-C.
Other names: c.1008G>C, p.Leu336Phe (NM_001142333.2); c.1089G>C, p.Leu363Phe (NM_001142334.2); c.*17G>C (NM_001364800.2, NM_145893.3); c.1152G>C, p.Leu384Phe (NM_145891.3); c.1135-61G>C (NM_145892.3); short protein forms L384F, L363F, L336F.
Identifiers: ClinVar variation 573213 (VCV000573213.10), dbSNP rs776822373, ClinGen allele CA7892020.
Genomic context (GRCh38, chr16:7,710,640, plus strand): 5'-AGGAAAATGTAAAAAACACACCCCTCAAATTGCTTTGTTTCAGAATGCTTTTGCACCTTT[G>C]ACTGATGCCAAGACTAGGAGCCATGCTGATGATGTGGGTCTCGTTCTTTCTTCATTGCAG-3'
Protein context (NP_061193.2, residues 353-373): GVGAMNAFAP[Leu363Phe]TDAKTRSHAD

ClinVar aggregate classification (germline): Uncertain significance. Review status: criteria provided, multiple submitters, no conflicts (2 of 4 stars). 2 submissions from 2 submitters: Uncertain significance (2). Last evaluated 2024-09-10.

Conditions:
Inborn genetic diseases. Identifiers: MedGen C0950123, MeSH D030342.
Idiopathic generalized epilepsy. Also called: Generalised epilepsy; EIG. Identifiers: MedGen C0270850, MONDO:0005579, OMIM 600669.

Allele frequency attached by ClinVar (database versions not stated): ExAC 0.00001.
gnomAD v4.1: 1 of 1,613,274 alleles (0.000062%); highest among the groups gnomAD compares: Non-Finnish European, 0.000085%; no homozygotes.

Submissions (2):

Ambry Genetics
Classification: Uncertain significance for Inborn genetic diseases. Last evaluated: 2024-09-10. Review status: criteria provided, single submitter. Criteria: Ambry Variant Classification Scheme 2023. Collection method: clinical testing. Allele origin: germline.

Labcorp Genetics (formerly Invitae), Labcorp
Classification: Uncertain significance for Idiopathic generalized epilepsy. Last evaluated: 2020-06-07. Review status: criteria provided, single submitter. Criteria: Invitae Variant Classification Sherloc (09022015). Collection method: clinical testing. Allele origin: germline.
Comment: This variant has not been reported in the literature in individuals with RBFOX1-related disease. Algorithms developed to predict the effect of missense changes on protein structure and function (SIFT, PolyPhen-2, Align-GVGD) all suggest that this variant is likely to be tolerated, but these predictions have not been confirmed by published functional studies and their clinical significance is uncertain. In summary, the available evidence is currently insufficient to determine the role of this variant in disease. Therefore, it has been classified as a Variant of Uncertain Significance. This variant is present in population databases (rs776822373, ExAC 0.001%). This sequence change replaces leucine with phenylalanine at codon 384 of the RBFOX1 protein (p.Leu384Phe). The leucine residue is weakly conserved and there is a small physicochemical difference between leucine and phenylalanine.